The following is an entry in ClinVar:

NM_005585.5(SMAD6):c.827dup (p.Pro277fs)

Gene: SMAD6 (SMAD family member 6; plus strand). Cytogenetic location: 15q22.31.
Variant type: Duplication.
Coding change: c.827dup on transcript NM_005585.5 (MANE Select); coding-DNA position 827, one base duplicated (C; older notation c.827dupC).
Protein change: p.Pro277fs; shifts the reading frame from proline 277.
Molecular consequence: frameshift variant. On other transcripts: non-coding transcript variant (1).
Genome position (GRCh38, 1-based): chr15:66,711,677, C duplicated; the last of 2 consecutive C bases (chr15:66,711,676-66,711,677); duplicating either gives the same sequence. VCF-style (leftmost placement, unchanged base first): chr15-66711675-G-GC. GRCh37 (hg19) VCF-style: chr15-67004013-G-GC.
Other names: short protein forms P277fs.
Identifiers: ClinVar variation 4537920 (VCV004537920.1).

ClinVar aggregate classification (germline): Likely pathogenic (1 of 4 stars; one submission).

Submission:

GeneDx
Classification: Likely pathogenic. Last evaluated: 2025-06-11. Review status: criteria provided, single submitter. Criteria: GeneDx Variant Classification Process June 2021. Collection method: clinical testing. Allele origin: germline. Affected: yes.
Comment: Frameshift variant predicted to result in abnormal protein length as the last 220 amino acid(s) are replaced with 25 different amino acid(s), and other similar variants have been reported in HGMD; Not observed at significant frequency in large population cohorts (gnomAD); Has not been previously published as pathogenic or benign to our knowledge